The following is an entry in ClinVar:

NM_000092.5(COL4A4):c.1668G>T (p.Lys556Asn)

Gene: COL4A4 (collagen type IV alpha 4 chain; minus strand). Cytogenetic location: 2q36.3.
Variant type: single nucleotide variant.
Coding change: c.1668G>T on transcript NM_000092.5 (MANE Select); coding-DNA position 1668, G replaced by T.
Protein change: p.Lys556Asn; replaces lysine 556 with asparagine.
Molecular consequence: missense variant.
Genome position (GRCh38, 1-based): chr2:227,082,143, C>A on the plus strand (G>T on the coding strand, the complement: COL4A4 is on the minus strand). VCF-style: chr2-227082143-C-A. GRCh37 (hg19) VCF-style: chr2-227946859-C-A.
Other names: short protein forms K556N.
Identifiers: ClinVar variation 666818 (VCV000666818.15), dbSNP rs764279454, ClinGen allele CA2145100.
Genomic context (GRCh38, chr2:227,082,143, plus strand): 5'-TGGCAGGGAGTTAAGTGATTGATTATGCTCACCTTTAACTCTTGATACAACCATGTCACC[C>A]TTCGCCCCTTTGTTGCCAGGTGGTCCAGAGGCACCATGCTTTCCCTTGGTGAAAAATAAG-3'
Protein context (NP_000083.3, residues 546-566): ASGPPGNKGA[Lys556Asn]GDMVVSRVKG

ClinVar aggregate classification (germline): Uncertain significance. Review status: criteria provided, multiple submitters, no conflicts (2 of 4 stars). 8 submissions from 8 submitters: Uncertain significance (6). 2 of the submissions do not count toward it. Last evaluated 2025-12-02.

Conditions:
Autosomal dominant Alport syndrome (ATS3A). Also called: Alport syndrome dominant type; Renal failure and sensorineural hearing loss; ALPORT SYNDROME 3A, AUTOSOMAL DOMINANT. Identifiers: Orphanet 63, Orphanet 88918, MedGen C5882663, MONDO:0007086, OMIM 104200.
Hematuria, benign familial, 1 (BFH1). Also called: THIN MEMBRANE NEPHROPATHY. Identifiers: MedGen CN376803, MONDO:0007709, OMIM 141200.
Autosomal recessive Alport syndrome (ATS2). Also called: COL4A3-Related Nephropathy; COL4A4 Alport Syndrome and Thin Basement Membrane Nephropathy; Alport syndrome type 2; ALPORT SYNDROME 2, AUTOSOMAL RECESSIVE. Identifiers: Orphanet 63, Orphanet 88919, MedGen C4746745, MONDO:0008762, OMIM 203780.
Inborn genetic diseases. Identifiers: MedGen C0950123, MeSH D030342.
Alport syndrome. Also called: Hemorrhagic familial nephritis; Hemorrhagic hereditary nephritis; Congenital hereditary hematuria. Identifiers: Orphanet 63, MedGen C1567741, MONDO:0018965.

Allele frequency attached by ClinVar (database versions not stated): ExAC 0.00001; gnomAD exomes 0.00001; gnomAD 0.00003 and 0.00004; TOPMed 0.00008.
gnomAD v4.1: 25 of 1,614,060 alleles (0.0015%); highest among the groups gnomAD compares: Admixed American, 0.0033%; no homozygotes.

Submissions (8):

GeneDx
Classification: Uncertain significance. Last evaluated: 2025-12-02. Review status: criteria provided, single submitter. Criteria: GeneDx Variant Classification Process June 2021. Collection method: clinical testing. Allele origin: germline. Affected: yes.
Comment: Not observed at significant frequency in large population cohorts (gnomAD); In silico analysis supports that this missense variant has a deleterious effect on protein structure/function; Occurs in the triple helical domain at the Y position in the canonical Gly-X-Y repeat; although this variant may have an effect on normal protein folding and function, missense substitution at the Y position is not a common mechanism of disease; Has not been previously published as pathogenic or benign to our knowledge

Fulgent Genetics
Classification: Uncertain significance for Hematuria, benign familial, 1; Autosomal recessive Alport syndrome. Last evaluated: 2024-03-22. Review status: criteria provided, single submitter. Criteria: ACMG Guidelines, 2015. Collection method: clinical testing. Allele origin: germline.

Molecular Genetics, Royal Melbourne Hospital
Classification: Uncertain significance for Alport syndrome. Last evaluated: 2024-01-05. Review status: criteria provided, single submitter. Criteria: ACMG Guidelines, 2015. Collection method: clinical testing. Allele origin: germline. Inheritance: Semidominant inheritance.
Comment: This sequence change in COL4A4 is predicted to replace lysine with asparagine at codon 556, p.(Lys556Asn). The lysine residue is moderately conserved (100 vertebrates, Multiz alignments), and is located in the collagen triple helical domain. This variant occurs at the Y residue of the Gly-X-Y repeat region which is not an established site associated with the disease (PMID: 20301386). There is a moderate physicochemical difference between lysine and asparagine. The highest population minor allele frequency in the population database gnomAD v4.0 is 0.0008% (18/1,180,036 alleles) in the European non-Finnish population. This variant has been reported in an individual with Alport Syndrome (ClinVar: SCV001192678.1). Computational evidence is uninformative for the missense substitution (REVEL = 0.536). Based on the classification scheme RMH Modified ACMG Guidelines v1.6.1, this variant is classified as a VARIANT OF UNCERTAIN SIGNIFICANCE. Following criteria are met: none.

Labcorp Genetics (formerly Invitae), Labcorp
Classification: Uncertain significance. Last evaluated: 2023-12-20. Review status: criteria provided, single submitter. Criteria: Invitae Variant Classification Sherloc (09022015). Collection method: clinical testing. Allele origin: germline.
Comment: This sequence change replaces lysine, which is basic and polar, with asparagine, which is neutral and polar, at codon 556 of the COL4A4 protein (p.Lys556Asn). This variant is present in population databases (rs764279454, gnomAD 0.003%). This variant has not been reported in the literature in individuals affected with COL4A4-related conditions. ClinVar contains an entry for this variant (Variation ID: 666818). Advanced modeling of protein sequence and biophysical properties (such as structural, functional, and spatial information, amino acid conservation, physicochemical variation, residue mobility, and thermodynamic stability) has been performed at Invitae for this missense variant, however the output from this modeling did not meet the statistical confidence thresholds required to predict the impact of this variant on COL4A4 protein function. In summary, the available evidence is currently insufficient to determine the role of this variant in disease. Therefore, it has been classified as a Variant of Uncertain Significance.

Ambry Genetics
Classification: Uncertain significance for Inborn genetic diseases. Last evaluated: 2021-06-22. Review status: criteria provided, single submitter. Criteria: Ambry Variant Classification Scheme 2023. Collection method: clinical testing. Allele origin: germline.

Laboratory for Molecular Medicine, Mass General Brigham Personalized Medicine
Classification: Uncertain significance. Last evaluated: 2018-03-05. Review status: criteria provided, single submitter. Criteria: LMM Criteria. Collection method: clinical testing. Allele origin: germline. Observed: 1 variant allele.
Comment: The p.Lys556Asn variant in COL4A4 has not been previously reported in individual s with Alport syndrome, but has been identified in 3/111662 European chromosomes by the Genome Aggregation Database (gnomAD; d bSNP rs764279454). Although this variant has been seen in the general population , its frequency is not high enough to rule out a pathogenic role. Computational prediction tools and conservation analysis suggest that the p.Lys556Asn variant may impact the protein, though this information is not predictive enough to dete rmine pathogenicity. In summary, the clinical significance of the p.Lys556Asn va riant is uncertain. ACMG/AMP Criteria applied: PM2, PP3.

Natera, Inc.
Classification: Uncertain significance for Alport syndrome. Last evaluated: 2020-02-12. Review status: no assertion criteria provided. Collection method: clinical testing. Allele origin: germline. Not counted in ClinVar's aggregate classification.

Bioscientia Institut fuer Medizinische Diagnostik GmbH, Sonic Healthcare
Classification: Uncertain significance for Autosomal dominant Alport syndrome. Last evaluated: 2019-03-14. Review status: no assertion criteria provided. Collection method: clinical testing. Allele origin: germline. Affected: yes. Not counted in ClinVar's aggregate classification.

Literature cited by the submitters: PubMed 20301386 (cited by Molecular Genetics, Royal Melbourne Hospital).